The following is an entry in ClinVar:

NM_201384.3(PLEC):c.4080G>A (p.Glu1360=)

Gene: PLEC (plectin; minus strand). Cytogenetic location: 8q24.3.
Variant type: single nucleotide variant.
Coding change: c.4080G>A on transcript NM_201384.3 (MANE Select); coding-DNA position 4080, G replaced by A.
Protein change: p.Glu1360=; no amino-acid change (glutamic acid 1360 retained).
Molecular consequence: synonymous variant. On other transcripts: intron variant (1).
Genome position (GRCh38, 1-based): chr8:143,925,849, C>T on the plus strand (G>A on the coding strand, the complement: PLEC is on the minus strand). VCF-style: chr8-143925849-C-T. GRCh37 (hg19) VCF-style: chr8-145000017-C-T.
Other names: c.4092G>A, p.Glu1364= (NM_201383.3); c.4125+935G>A (NM_001410941.1); c.4161G>A, p.Glu1387= (NM_000445.5); c.4038G>A, p.Glu1346= (NM_201378.4); c.4014G>A, p.Glu1338= (NM_201379.3); c.4491G>A, p.Glu1497= (NM_201380.4); c.3984G>A, p.Glu1328= (NM_201381.3); c.4080G>A, p.Glu1360= (NM_201382.4).
Identifiers: ClinVar variation 2658953 (VCV002658953.24), dbSNP rs781802262, ClinGen allele CA4926773.
Genomic context (GRCh38, chr8:143,925,849, plus strand): 5'-GGCGTGCGCCTCGGCCAGCTGCCGCTGCTTCTCCAGCGCGGCCTCCACCTCGGCCAGCCG[C>T]TCGCGCTCCTCTGCCCGCTGCTGCTCAGCCAGCCTCTGTGGCCACAGCAGAGAGAAGAAG-3'
Protein context (NP_958786.1, residues 1350-1370): LAEQQRAEER[Glu1360=]RLAEVEAALE

ClinVar aggregate classification (germline): Likely benign (1 of 4 stars; one submission).

Allele frequency attached by ClinVar (database versions not stated): gnomAD exomes 0.00001; TOPMed 0.00001; gnomAD 0.00002; ExAC 0.00005.
gnomAD v4.1: 13 of 1,550,094 alleles (0.00084%); highest among the groups gnomAD compares: Non-Finnish European, 0.001%; no homozygotes.

Submission:

CeGaT Center for Human Genetics Tuebingen
Classification: Likely benign. Last evaluated: 2023-04-01. Review status: criteria provided, single submitter. Criteria: CeGaT Center For Human Genetics Tuebingen Variant Classification Criteria Version 2. Collection method: clinical testing. Allele origin: germline. Affected: yes. Observed: 2 variant alleles.
Comment: PLEC: BP4, BP7